The following is an entry in ClinVar:

ClinVar aggregate classification (germline): Uncertain significance (1 of 4 stars; one submission).

Submission:

GeneDx
Classification: Uncertain significance. Last evaluated: 2023-02-28. Review status: criteria provided, single submitter. Criteria: GeneDx Variant Classification Process June 2021. Collection method: clinical testing. Allele origin: germline. Affected: yes.
Comment: Not observed at significant frequency in large population cohorts (gnomAD); In silico analysis supports that this missense variant has a deleterious effect on protein structure/function; Has not been previously published as pathogenic or benign to our knowledge

NM_016203.4(PRKAG2):c.1355T>G (p.Phe452Cys)

Gene: PRKAG2 (protein kinase AMP-activated non-catalytic subunit gamma 2; minus strand). Cytogenetic location: 7q36.1.
Variant type: single nucleotide variant.
Coding change: c.1355T>G on transcript NM_016203.4 (MANE Select); coding-DNA position 1355, T replaced by G.
Protein change: p.Phe452Cys; replaces phenylalanine 452 with cysteine.
Molecular consequence: missense variant.
Genome position (GRCh38, 1-based): chr7:151,565,764, A>C on the plus strand (T>G on the coding strand, the complement: PRKAG2 is on the minus strand). VCF-style: chr7-151565764-A-C. GRCh37 (hg19) VCF-style: chr7-151262850-A-C.
Other names: c.1223T>G, p.Phe408Cys (NM_001040633.2, NM_001407024.1); c.980T>G, p.Phe327Cys (NM_001304527.2, NM_001407029.1); c.632T>G, p.Phe211Cys (NM_001304531.2, NM_001407034.1, NM_001407035.1 and 1 more transcripts); c.983T>G, p.Phe328Cys (NM_001363698.2, NM_001407028.1); c.1355T>G, p.Phe452Cys (NM_001407021.1); c.1352T>G, p.Phe451Cys (NM_001407022.1, NM_001407023.1); c.1220T>G, p.Phe407Cys (NM_001407026.1, NM_001407027.1); c.1067T>G, p.Phe356Cys (NM_001407030.1); and 6 more; short protein forms F210C, F211C, F227C, F231C, F327C, F328C, F344C, F346C.
Identifiers: ClinVar variation 2579459 (VCV002579459.1), dbSNP rs1414884410, ClinGen allele CA370070948.